The following is an entry in ClinVar:

ClinVar aggregate classification (germline): Pathogenic (1 of 4 stars; one submission).

Conditions:
Leigh syndrome (NULS). Also called: Subacute necrotizing encephalopathy; Necrotizing encephalopathy infantile subacute of Leigh; Leigh's necrotizing encephalopathy; Leigh's disease; Leigh's syndrome; Leigh Disease. Identifiers: Orphanet 506, MedGen C2931891, MONDO:0009723, OMIM 256000.

Submission:

Women's Health and Genetics/Laboratory Corporation of America, LabCorp
Classification: Pathogenic for Leigh syndrome. Last evaluated: 2026-06-23. Review status: criteria provided, single submitter. Criteria: LabCorp Variant Classification Summary - May 2015. Collection method: clinical testing. Allele origin: germline.
Comment: Variant summary: The variant involves the deletion of exons 1-2 in the NDUFS6 gene. A presumed nomenclature of c.(?_-12)_(186+1_187-1)del has been designated for the purposes of this classification. The exact breakpoint at the 5' end of this variant is unknown, therefore this deletion may extend upstream of the annotated region of this gene. Although the exact breakpoints of this deletion are not known, it is predicted to remove the initiation codon and result in an absence of protein or a truncation of the encoded protein due to translation initiation at a downstream site. Loss-of-function variants in this gene are known to be pathogenic. The variant was absent in 21694 control chromosomes. To our knowledge, no occurrence of c.(?_-12)_(186+1_187-1)del in individuals affected with NDUFS6-related conditions and no experimental evidence demonstrating its impact on protein function have been reported. ClinVar contains an entry for this variant (Variation ID: 2425150). Based on the evidence outlined above, the variant was classified as pathogenic.

NC_000005.9:g.(?_1801520)_(1802489_1814452)del

Gene: NDUFS6 (NADH:ubiquinone oxidoreductase subunit S6; plus strand). Cytogenetic location: 5p15.33.
Variant type: Deletion.
Identifiers: ClinVar variation 4887737 (VCV004887737.1).